The following is an entry in ClinVar:

NM_018105.3(THAP1):c.190_191del (p.Lys64fs)

Gene: THAP1 (THAP domain containing 1; minus strand). Cytogenetic location: 8p11.21.
Variant type: Deletion.
Coding change: c.190_191del on transcript NM_018105.3 (MANE Select); coding-DNA positions 190 to 191, 2 bases deleted (AA; older notation c.190_191delAA).
Protein change: p.Lys64fs; shifts the reading frame from lysine 64.
Molecular consequence: frameshift variant. On other transcripts: intron variant (1).
Genome position (GRCh38, 1-based): chr8:42,839,262-42,839,263, TT deleted on the plus strand (AA on the coding strand, the reverse complement: THAP1 is on the minus strand). VCF-style (leftmost placement, unchanged base first): chr8-42839261-CTT-C. GRCh37 (hg19) VCF-style: chr8-42694404-CTT-C.
Other names: c.190_191delAA (NM_018105.3); c.72-927_72-926del (NM_199003.2); short protein forms K64fs.
Identifiers: ClinVar variation 2497671 (VCV002497671.2), dbSNP rs2487030414, ClinGen allele CA2580078320.

ClinVar aggregate classification (germline): Likely pathogenic (1 of 4 stars; one submission).

Conditions:
Torsion dystonia 6 (DYT6). Also called: DYT-THAP1. Identifiers: Orphanet 98806, MedGen C1414216, MONDO:0011264, OMIM 602629.

Submission:

Lifecell International Pvt. Ltd
Classification: Likely pathogenic for Torsion dystonia 6. Review status: criteria provided, single submitter. Criteria: ACMG Guidelines, 2015. Collection method: clinical testing. Allele origin: germline. Inheritance: Autosomal dominant inheritance. Affected: yes. Observed: 1 heterozygote.
Comment: A Heterozygous Frameshift variant c.190_191delAA in Exon 2 of the THAP1 gene that results in the amino acid substitution p.Lys64fs*21 was identified The observed variant is novel in gnomAD exomes and genomes, respectively. The severity of the impact of this variant on the protein is high, based on the effect of the protein and REVEL score . Rare Exome Variant Ensemble Learner (REVEL) is an ensembl method for predicting the pathogenicity of missense variants based on a combination of scores from 13 individual tools: MutPred, FATHMM v2.3, VEST 3.0, PolyPhen-2, SIFT, PROVEAN, MutationAssessor, MutationTaster, LRT, GERP++, SiPhy, phyloP, and phastCons. The REVEL score for an individual missense variant can range from 0 to 1, with higher scores reflecting greater likelihood that the variant is disease-causing. . Based on the above evidence this variant has been classified as Likely Pathogenic according to the ACMG guidelines.